The following is an entry in ClinVar:

NM_001277115.2(DNAH11):c.3388A>G (p.Met1130Val)

Genes: DNAH11 (dynein axonemal heavy chain 11; plus strand), LOC126859961 (BRD4-independent group 4 enhancer GRCh37_chr7:21639662-21640861; plus strand). Cytogenetic location: 7p15.3.
Variant type: single nucleotide variant.
Coding change: c.3388A>G on transcript NM_001277115.2 (MANE Select); coding-DNA position 3388, A replaced by G.
Protein change: p.Met1130Val; replaces methionine 1130 with valine.
Molecular consequence: missense variant.
Genome position (GRCh38, 1-based): chr7:21,601,142, A>G. VCF-style: chr7-21601142-A-G. GRCh37 (hg19) VCF-style: chr7-21640760-A-G.
Other names: short protein forms M1130V.
Identifiers: ClinVar variation 1417217 (VCV001417217.3), dbSNP rs2128447106, ClinGen allele CA366946467.

ClinVar aggregate classification (germline): Uncertain significance (1 of 4 stars; one submission).

Conditions:
Primary ciliary dyskinesia. Also called: Ciliary dyskinesia. Identifiers: Orphanet 244, MedGen C0008780, MONDO:0016575, HP:0012265.

Allele frequency attached by ClinVar (database versions not stated): gnomAD exomes below 0.00001.

Submission:

Labcorp Genetics (formerly Invitae), Labcorp
Classification: Uncertain significance for Primary ciliary dyskinesia. Last evaluated: 2021-09-01. Review status: criteria provided, single submitter. Criteria: Invitae Variant Classification Sherloc (09022015). Collection method: clinical testing. Allele origin: germline.
Comment: This sequence change replaces methionine with valine at codon 1130 of the DNAH11 protein (p.Met1130Val). The methionine residue is moderately conserved and there is a small physicochemical difference between methionine and valine. This variant is not present in population databases (ExAC no frequency). This variant has not been reported in the literature in individuals affected with DNAH11-related conditions. Advanced modeling of protein sequence and biophysical properties (such as structural, functional, and spatial information, amino acid conservation, physicochemical variation, residue mobility, and thermodynamic stability) performed at Invitae indicates that this missense variant is not expected to disrupt DNAH11 protein function. In summary, the available evidence is currently insufficient to determine the role of this variant in disease. Therefore, it has been classified as a Variant of Uncertain Significance.